The following is an entry in ClinVar:

ClinVar aggregate classification (germline): Likely benign (1 of 4 stars; one submission).

Submission:

Women's Health and Genetics/Laboratory Corporation of America, LabCorp
Classification: Likely benign. Last evaluated: 2026-01-08. Review status: criteria provided, single submitter. Criteria: LabCorp Variant Classification Summary - May 2015. Collection method: clinical testing. Allele origin: germline.
Comment: Variant summary: SPEN c.10704+15C>A alters a conserved nucleotide located at a position not widely known to affect splicing. Consensus agreement among computation tools predict no significant impact on normal splicing. However, these predictions have yet to be confirmed by functional studies. The variant was absent in 224028 control chromosomes. The available data on variant occurrences in the general population are insufficient to allow any conclusion about variant significance. To our knowledge, no occurrence of c.10704+15C>A in individuals affected with SPEN-related conditions and no experimental evidence demonstrating its impact on protein function have been reported. No submitters have cited clinical-significance assessments for this variant to ClinVar. Based on the evidence outlined above, the variant was classified as likely benign.

NM_015001.3(SPEN):c.10704+15C>A

Gene: SPEN (spen family transcriptional repressor; plus strand). Cytogenetic location: 1p36.13.
Variant type: single nucleotide variant.
Coding change: c.10704+15C>A on transcript NM_015001.3 (MANE Select); 15 bases into the intron after coding-DNA position 10704, C replaced by A.
Molecular consequence: intron variant.
Genome position (GRCh38, 1-based): chr1:15,938,021, C>A. VCF-style: chr1-15938021-C-A. GRCh37 (hg19) VCF-style: chr1-16264516-C-A.
Identifiers: ClinVar variation 4689526 (VCV004689526.1).
Genomic context (GRCh38, chr1:15,938,021, plus strand): 5'-GCGGCTGGAGGCAACGCAGCTGGAAGGGGTTGCCCGAAGGATGACGGTAAGACTCTCAGG[C>A]CCAGGTGAGCAACTGCCCCACCTACAGGGAGGAAGACGTAGGTAGTCCCTGCCAGCCCAT-3'